The following is an entry in ClinVar:

NM_014000.3(VCL):c.2395A>G (p.Met799Val)

Gene: VCL (vinculin; plus strand). Cytogenetic location: 10q22.2.
Variant type: single nucleotide variant.
Coding change: c.2395A>G on transcript NM_014000.3 (MANE Select); coding-DNA position 2395, A replaced by G.
Protein change: p.Met799Val; replaces methionine 799 with valine.
Molecular consequence: missense variant.
Genome position (GRCh38, 1-based): chr10:74,105,314, A>G. VCF-style: chr10-74105314-A-G. GRCh37 (hg19) VCF-style: chr10-75865072-A-G.
Other names: c.2395A>G, p.Met799Val (NM_003373.4); short protein forms M799V.
Identifiers: ClinVar variation 1790604 (VCV001790604.7), dbSNP rs150069336, ClinGen allele CA5563203.
Genomic context (GRCh38, chr10:74,105,314, plus strand): 5'-TTCCGTGAGGCTGTGAAAGCTGCCTCTGATGAATTGAGCAAAACCATCTCCCCGATGGTG[A>G]TGGATGCAAAAGCTGTGGCTGGAAACATTTCCGACCCTGGTAAGCAATGCATGGCACTAT-3'
Protein context (NP_054706.1, residues 789-809): ELSKTISPMV[Met799Val]DAKAVAGNIS

ClinVar aggregate classification (germline): Uncertain significance. Review status: criteria provided, multiple submitters, no conflicts (2 of 4 stars). 3 submissions from 3 submitters: Uncertain significance (3). Last evaluated 2024-10-28.

Conditions:
Cardiovascular phenotype. Identifiers: MedGen CN230736.
Dilated cardiomyopathy 1W (CMD1W). Identifiers: Orphanet 154, MedGen C1969639, MONDO:0012667, OMIM 611407.

Allele frequency attached by ClinVar (database versions not stated): ExAC 0.00001; gnomAD 0.00001; TOPMed 0.00001; ESP Exome Variant Server 0.00008.
gnomAD v4.1: 3 of 1,612,600 alleles (0.00019%); highest among the groups gnomAD compares: African/African-American, 0.004%; no homozygotes.

Submissions (3):

Ambry Genetics
Classification: Uncertain significance for Cardiovascular phenotype. Last evaluated: 2024-10-28. Review status: criteria provided, single submitter. Criteria: Ambry Variant Classification Scheme 2023. Collection method: clinical testing. Allele origin: germline.
Comment: The p.M799V variant (also known as c.2395A>G), located in coding exon 16 of the VCL gene, results from an A to G substitution at nucleotide position 2395. The methionine at codon 799 is replaced by valine, an amino acid with highly similar properties. This amino acid position is well conserved in available vertebrate species; however, valine is the reference amino acid in other vertebrate species. In addition, this alteration is predicted to be tolerated by in silico analysis. Since supporting evidence is limited at this time, the clinical significance of this alteration remains unclear.

GeneDx
Classification: Uncertain significance. Last evaluated: 2024-06-18. Review status: criteria provided, single submitter. Criteria: GeneDx Variant Classification Process June 2021. Collection method: clinical testing. Allele origin: germline. Affected: yes.
Comment: Has not been previously published as pathogenic or benign to our knowledge; Not observed at significant frequency in large population cohorts (gnomAD); In silico analysis indicates that this missense variant does not alter protein structure/function

Labcorp Genetics (formerly Invitae), Labcorp
Classification: Uncertain significance for Dilated cardiomyopathy 1W. Last evaluated: 2023-04-04. Review status: criteria provided, single submitter. Criteria: Invitae Variant Classification Sherloc (09022015). Collection method: clinical testing. Allele origin: germline.
Comment: This variant is present in population databases (rs150069336, gnomAD 0.007%). This sequence change replaces methionine, which is neutral and non-polar, with valine, which is neutral and non-polar, at codon 799 of the VCL protein (p.Met799Val). This variant has not been reported in the literature in individuals affected with VCL-related conditions. ClinVar contains an entry for this variant (Variation ID: 1790604). Algorithms developed to predict the effect of missense changes on protein structure and function output the following: SIFT: "Not Available"; PolyPhen-2: "Probably Damaging"; Align-GVGD: "Not Available". The valine amino acid residue is found in multiple mammalian species, which suggests that this missense change does not adversely affect protein function. In summary, the available evidence is currently insufficient to determine the role of this variant in disease. Therefore, it has been classified as a Variant of Uncertain Significance.